The following is an entry in ClinVar:

ClinVar aggregate classification (germline): Uncertain significance (1 of 4 stars; one submission).

Conditions:
Neurodevelopmental disorder. Identifiers: MedGen C1535926, MeSH D065886, MONDO:0700092.

gnomAD v4.1: 3 of 1,564,108 alleles (0.00019%); highest among the groups gnomAD compares: Non-Finnish European, 0.00026%; no homozygotes.

Submission:

Victorian Clinical Genetics Services, Murdoch Childrens Research Institute
Classification: Uncertain significance for Neurodevelopmental disorder. Last evaluated: 2023-07-16. Review status: criteria provided, single submitter. Criteria: ACMG Guidelines, 2015. Collection method: clinical testing. Allele origin: germline. Inheritance: Autosomal dominant inheritance. Affected: yes.
Comment: Based on the classification scheme VCGS_Germline_v1.3.4, this variant is classified as VUS-3B. Following criteria are met: 0102 - Loss of function is a known mechanism of disease in this gene and is associated with nephrotic syndrome (MONDO#0005377), ITSN1-related, and neurodevelopmental disorder (MONDO#0700092), ITSN1-related. (I) 0108 - This gene is associated with both recessive and dominant disease. Biallelic variants cause autosomal recessive nephrotic syndrome (MONDO#0005377), ITSN1-related, while monoallelic variants cause autosomal dominant neurodevelopmental disorder (MONDO#0700092), ITSN1-related (PMIDs: 29773874, 30721404, 34707297). (I) 0200 - Variant is predicted to result in a missense amino acid change from tryptophan to arginine. (I) 0251 - This variant is heterozygous. (I) 0304 - Variant is present in gnomAD (v2) <0.01 (1 heterozygote, 0 homozygotes). (SP) 0501 - Missense variant consistently predicted to be damaging by multiple in silico tools or highly conserved with a major amino acid change. (SP) 0600 - Variant is located in the annotated cytoskeletal-regulatory complex EF hand domain (DECIPHER). (I) 0705 - No comparable missense variants have previous evidence for pathogenicity. (I) 0807 - This variant has no previous evidence of pathogenicity. (I) 0905 - No published segregation evidence has been identified for this variant. (I) 1007 - No published functional evidence has been identified for this variant. (I) 1208 - Inheritance information for this variant is not currently available in this individual. (I) Legend: (SP) - Supporting pathogenic, (I) - Information, (SB) - Supporting benign

Literature cited by the submitters: PubMed 29773874; PubMed 30721404; PubMed 34707297.

NM_003024.3(ITSN1):c.184T>C (p.Trp62Arg)

Gene: ITSN1 (intersectin 1; plus strand). Cytogenetic location: 21q22.11.
Variant type: single nucleotide variant.
Coding change: c.184T>C on transcript NM_003024.3 (MANE Select); coding-DNA position 184, T replaced by C.
Protein change: p.Trp62Arg; replaces tryptophan 62 with arginine.
Molecular consequence: missense variant.
Genome position (GRCh38, 1-based): chr21:33,722,650, T>C. VCF-style: chr21-33722650-T-C. GRCh37 (hg19) VCF-style: chr21-35094955-T-C.
Other names: c.184T>C, p.Trp62Arg (NM_001001132.2, NM_001331008.2, NM_001331009.2 and 3 more transcripts); short protein forms W62R.
Identifiers: ClinVar variation 3376749 (VCV003376749.1).